The following is an entry in ClinVar:

ClinVar aggregate classification (germline): Uncertain significance (1 of 4 stars; one submission).

Conditions:
Juvenile polyposis syndrome (JPS). Identifiers: Orphanet 2929, MedGen C0345893, MONDO:0017380, OMIM 174900.

Submission:

Labcorp Genetics (formerly Invitae), Labcorp
Classification: Uncertain significance for Juvenile polyposis syndrome. Last evaluated: 2019-05-10. Review status: criteria provided, single submitter. Criteria: Invitae Variant Classification Sherloc (09022015). Collection method: clinical testing. Allele origin: germline.
Comment: In summary, the available evidence is currently insufficient to determine the role of this variant in disease. Therefore, it has been classified as a Variant of Uncertain Significance. This sequence change replaces tyrosine with cysteine at codon 458 of the BMPR1A protein (p.Tyr458Cys). The tyrosine residue is moderately conserved and there is a large physicochemical difference between tyrosine and cysteine. This variant is not present in population databases (ExAC no frequency). This variant has not been reported in the literature in individuals with BMPR1A-related conditions. Algorithms developed to predict the effect of missense changes on protein structure and function are either unavailable or do not agree on the potential impact of this missense change (SIFT: "Tolerated"; PolyPhen-2: "Probably Damaging"; Align-GVGD: "Class C15").

NM_004329.3(BMPR1A):c.1373A>G (p.Tyr458Cys)

Gene: BMPR1A (bone morphogenetic protein receptor type 1A; plus strand). Cytogenetic location: 10q23.2.
Variant type: single nucleotide variant.
Coding change: c.1373A>G on transcript NM_004329.3 (MANE Select); coding-DNA position 1373, A replaced by G.
Protein change: p.Tyr458Cys; replaces tyrosine 458 with cysteine.
Molecular consequence: missense variant.
Genome position (GRCh38, 1-based): chr10:86,923,406, A>G. VCF-style: chr10-86923406-A-G. GRCh37 (hg19) VCF-style: chr10-88683163-A-G.
Other names: short protein forms Y458C.
Identifiers: ClinVar variation 944402 (VCV000944402.10), dbSNP rs1843694986, ClinGen allele CA377462757.